The following is an entry in ClinVar:

NM_000213.5(ITGB4):c.3427A>G (p.Ile1143Val)

Gene: ITGB4 (integrin subunit beta 4; plus strand). Cytogenetic location: 17q25.1.
Variant type: single nucleotide variant.
Coding change: c.3427A>G on transcript NM_000213.5 (MANE Select); coding-DNA position 3427, A replaced by G.
Protein change: p.Ile1143Val; replaces isoleucine 1143 with valine.
Molecular consequence: missense variant.
Genome position (GRCh38, 1-based): chr17:75,750,221, A>G. VCF-style: chr17-75750221-A-G. GRCh37 (hg19) VCF-style: chr17-73746302-A-G.
Other names: c.3427A>G (NM_000213.4); c.3427A>G, p.Ile1143Val (NM_001005619.2, NM_001005731.3, NM_001321123.2); short protein forms I1143V.
Identifiers: ClinVar variation 735189 (VCV000735189.12), dbSNP rs149481974, ClinGen allele CA8769824.
Genomic context (GRCh38, chr17:75,750,221, plus strand): 5'-CCTCACGGCGACCTGGGCGCCCCGCAGAACCCCAATGCTAAGGCCGCTGGGTCCAGGAAG[A>G]TCCATTTCAACTGGCTGCCCCCTTCTGGCAAGCCAATGGGGTACAGGGTAAGGCGGGGGG-3'
Protein context (NP_000204.3, residues 1133-1153): PNAKAAGSRK[Ile1143Val]HFNWLPPSGK

ClinVar aggregate classification (germline): Conflicting classifications of pathogenicity. Review status: criteria provided, conflicting classifications (1 of 4 stars). 4 submissions from 4 submitters: Uncertain significance (1); Likely benign (2). 1 of the submissions does not count toward it. Last evaluated 2026-01-21.

Conditions:
Epidermolysis bullosa, junctional 5A, intermediate. Also called: EPIDERMOLYSIS BULLOSA, JUNCTIONAL 5A, GENERALIZED INTERMEDIATE; EPIDERMOLYSIS BULLOSA, JUNCTIONAL 5A, NON-HERLITZ TYPE. Identifiers: MedGen C5676956, MONDO:0030768, OMIM 619816.
Junctional epidermolysis bullosa with pyloric atresia. Also called: EPIDERMOLYSIS BULLOSA, JUNCTIONAL 5B, WITH PYLORIC ATRESIA; Junctional Epidermolysis Bullosa- Pyloric Atresia Syndrome; ITGB4-Related Epidermolysis Bullosa with Pyloric Atresia; ITGA6-Related Epidermolysis Bullosa with Pyloric Atresia; Epidermolysis bullosa, junctional, with pyloric atresia and aplasia cutis congenita; Epidermolysis bullosa junctionalis with pyloric atresia. Identifiers: Orphanet 79403, MedGen C5676875, MONDO:0009183, OMIM 226730.
ITGB4-related disorder. Also called: ITGB4-related condition.

Allele frequency attached by ClinVar (database versions not stated): ESP Exome Variant Server 0.00069; 1000 Genomes Project 0.00080; gnomAD exomes 0.00006 and 0.00014; ExAC 0.00018; gnomAD 0.00056; 1000 Genomes Project 30x 0.00062; TOPMed 0.00066.
gnomAD v4.1: 177 of 1,613,756 alleles (0.011%); highest among the groups gnomAD compares: African/African-American, 0.2%; no homozygotes.

Submissions (4):

Labcorp Genetics (formerly Invitae), Labcorp
Classification: Likely benign. Last evaluated: 2026-01-21. Review status: criteria provided, single submitter. Criteria: Invitae Variant Classification Sherloc (09022015). Collection method: clinical testing. Allele origin: germline.

Fulgent Genetics
Classification: Likely benign for Junctional epidermolysis bullosa with pyloric atresia; Epidermolysis bullosa, junctional 5A, intermediate. Last evaluated: 2021-07-06. Review status: criteria provided, single submitter. Criteria: ACMG Guidelines, 2015. Collection method: clinical testing. Allele origin: unknown.

Revvity Omics, Revvity
Classification: Uncertain significance. Last evaluated: 2019-04-12. Review status: criteria provided, single submitter. Criteria: ACMG Guidelines, 2015. Collection method: clinical testing. Allele origin: germline.

PreventionGenetics, part of Exact Sciences
Classification: Likely benign for ITGB4-related condition. Last evaluated: 2024-07-26. Review status: no assertion criteria provided. Collection method: clinical testing. Allele origin: germline. Not counted in ClinVar's aggregate classification.
Comment: This variant is classified as likely benign based on ACMG/AMP sequence variant interpretation guidelines (Richards et al. 2015 PMID: 25741868, with internal and published modifications).